The following is an entry in ClinVar:

ClinVar aggregate classification (germline): Uncertain significance (1 of 4 stars; one submission).

Conditions:
Familial thoracic aortic aneurysm and aortic dissection (TAAD). Also called: Thoracic aortic aneurysms and dissections. Identifiers: Orphanet 91387, MedGen C4707243, MONDO:0019625.

Submission:

Ambry Genetics
Classification: Uncertain significance for Familial thoracic aortic aneurysm and aortic dissection. Last evaluated: 2021-10-07. Review status: criteria provided, single submitter. Criteria: Ambry Variant Classification Scheme 2023. Collection method: clinical testing. Allele origin: germline.
Comment: The p.I417T variant (also known as c.1250T>C), located in coding exon 7 of the TGFBR1 gene, results from a T to C substitution at nucleotide position 1250. The isoleucine at codon 417 is replaced by threonine, an amino acid with similar properties. This amino acid position is conserved. In addition, the in silico prediction for this alteration is inconclusive. Since supporting evidence is limited at this time, the clinical significance of this alteration remains unclear.

NM_004612.4(TGFBR1):c.1250T>C (p.Ile417Thr)

Gene: TGFBR1 (transforming growth factor beta receptor 1; plus strand). Cytogenetic location: 9q22.33.
Variant type: single nucleotide variant.
Coding change: c.1250T>C on transcript NM_004612.4 (MANE Select); coding-DNA position 1250, T replaced by C.
Protein change: p.Ile417Thr; replaces isoleucine 417 with threonine.
Molecular consequence: missense variant.
Genome position (GRCh38, 1-based): chr9:99,146,604, T>C. VCF-style: chr9-99146604-T-C. GRCh37 (hg19) VCF-style: chr9-101908886-T-C.
Other names: c.1019T>C, p.Ile340Thr (NM_001130916.3, NM_001407435.1); c.1262T>C, p.Ile421Thr (NM_001306210.2); c.1094T>C, p.Ile365Thr (NM_001407416.1); c.1082T>C, p.Ile361Thr (NM_001407417.1); c.1055T>C, p.Ile352Thr (NM_001407418.1, NM_001407419.1, NM_001407420.1 and 1 more transcripts); c.1043T>C, p.Ile348Thr (NM_001407423.1, NM_001407424.1, NM_001407425.1 and 8 more transcripts); c.1004T>C, p.Ile335Thr (NM_001407436.1); c.542T>C, p.Ile181Thr (NM_001407437.1); and 1 more; short protein forms I181T, I258T, I365T, I335T, I348T, I352T, I361T, I340T.
Identifiers: ClinVar variation 1760683 (VCV001760683.2), dbSNP rs2490251740, ClinGen allele CA374233187.